The following is an entry in ClinVar:

ClinVar aggregate classification (germline): Uncertain significance (1 of 4 stars; one submission).

gnomAD v4.1: 10 of 1,613,580 alleles (0.00062%); highest among the groups gnomAD compares: Admixed American, 0.005%; no homozygotes.

Submission:

Women's Health and Genetics/Laboratory Corporation of America, LabCorp
Classification: Uncertain significance. Last evaluated: 2025-09-25. Review status: criteria provided, single submitter. Criteria: LabCorp Variant Classification Summary - May 2015. Collection method: clinical testing. Allele origin: germline.
Comment: Variant summary: PUM1 c.3451G>A (p.Ala1151Thr) results in a non-conservative amino acid change in the encoded protein sequence. Algorithms developed to predict the effect of missense changes on protein structure and function are either unavailable or do not agree on the potential impact of this missense change. The variant allele was found at a frequency of 2e-05 in 248854 control chromosomes. The available data on variant occurrences in the general population are insufficient to allow any conclusion about variant significance. To our knowledge, no occurrence of c.3451G>A in individuals affected with PUM1-related conditions and no experimental evidence demonstrating its impact on protein function have been reported. No submitters have cited clinical-significance assessments for this variant to ClinVar. Based on the evidence outlined above, the variant was classified as uncertain significance.

NM_001020658.2(PUM1):c.3451G>A (p.Ala1151Thr)

Gene: PUM1 (pumilio RNA binding family member 1; minus strand). Cytogenetic location: 1p35.2.
Variant type: single nucleotide variant.
Coding change: c.3451G>A on transcript NM_001020658.2 (MANE Select); coding-DNA position 3451, G replaced by A.
Protein change: p.Ala1151Thr; replaces alanine 1151 with threonine.
Molecular consequence: missense variant.
Genome position (GRCh38, 1-based): chr1:30,933,327, C>T on the plus strand (G>A on the coding strand, the complement: PUM1 is on the minus strand). VCF-style: chr1-30933327-C-T. GRCh37 (hg19) VCF-style: chr1-31406174-C-T.
Other names: c.3445G>A, p.Ala1149Thr (NM_014676.3); short protein forms A1149T, A1151T.
Identifiers: ClinVar variation 4535959 (VCV004535959.1).